The following is an entry in ClinVar:

NM_000282.4(PCCA):c.2101G>C (p.Ala701Pro)

Gene: PCCA (propionyl-CoA carboxylase subunit alpha; plus strand). Cytogenetic location: 13q32.3.
Variant type: single nucleotide variant.
Coding change: c.2101G>C on transcript NM_000282.4 (MANE Select); coding-DNA position 2101, G replaced by C.
Protein change: p.Ala701Pro; replaces alanine 701 with proline.
Molecular consequence: missense variant. On other transcripts: non-coding transcript variant (5).
Genome position (GRCh38, 1-based): chr13:100,527,735, G>C. VCF-style: chr13-100527735-G-C. GRCh37 (hg19) VCF-style: chr13-101179989-G-C.
Other names: c.2023G>C, p.Ala675Pro (NM_001127692.3); c.1960G>C, p.Ala654Pro (NM_001178004.2); c.2047G>C, p.Ala683Pro (NM_001352605.2); c.1957G>C, p.Ala653Pro (NM_001352606.2); c.1882G>C, p.Ala628Pro (NM_001352607.2); c.1879G>C, p.Ala627Pro (NM_001352608.2); c.1156G>C, p.Ala386Pro (NM_001352610.2); c.1102G>C, p.Ala368Pro (NM_001352611.2); and 1 more; short protein forms A627P, A675P, A386P, A653P, A701P, A338P, A368P, A628P.
Identifiers: ClinVar variation 835996 (VCV000835996.7), dbSNP rs143096615, ClinGen allele CA7033900.

ClinVar aggregate classification (germline): Uncertain significance. Review status: criteria provided, multiple submitters, no conflicts (2 of 4 stars). 4 submissions from 4 submitters: Uncertain significance (3). 1 of the submissions does not count toward it. Last evaluated 2024-10-16.

Conditions:
Inborn genetic diseases. Identifiers: MedGen C0950123, MeSH D030342.
Propionic acidemia (PROP). Also called: GLYCINEMIA, KETOTIC; HYPERGLYCINEMIA WITH KETOACIDOSIS AND LEUKOPENIA; KETOTIC HYPERGLYCINEMIA. Identifiers: Orphanet 35, MedGen C0268579, MONDO:0011628, OMIM 606054, HP:0003571.

Allele frequency attached by ClinVar (database versions not stated): gnomAD exomes 0.00003; ExAC 0.00005; ESP Exome Variant Server 0.00015; TOPMed 0.00017; gnomAD 0.00018 and 0.00021; 1000 Genomes Project 0.00020; 1000 Genomes Project 30x 0.00031.
gnomAD v4.1: 40 of 1,613,576 alleles (0.0025%); highest among the groups gnomAD compares: African/African-American, 0.053%; no homozygotes.

Submissions (4):

Blueprint Genetics
Classification: Uncertain significance. Last evaluated: 2024-10-16. Review status: criteria provided, single submitter. Criteria: ACMG Guidelines, 2015. Collection method: clinical testing. Allele origin: germline.

Ambry Genetics
Classification: Uncertain significance for Inborn genetic diseases. Last evaluated: 2023-10-05. Review status: criteria provided, single submitter. Criteria: Ambry Variant Classification Scheme 2023. Collection method: clinical testing. Allele origin: germline.

Labcorp Genetics (formerly Invitae), Labcorp
Classification: Uncertain significance for Propionic acidemia. Last evaluated: 2022-04-23. Review status: criteria provided, single submitter. Criteria: Invitae Variant Classification Sherloc (09022015). Collection method: clinical testing. Allele origin: germline.
Comment: This sequence change replaces alanine, which is neutral and non-polar, with proline, which is neutral and non-polar, at codon 701 of the PCCA protein (p.Ala701Pro). This variant is present in population databases (rs143096615, gnomAD 0.06%). This variant has not been reported in the literature in individuals affected with PCCA-related conditions. ClinVar contains an entry for this variant (Variation ID: 835996). Advanced modeling of protein sequence and biophysical properties (such as structural, functional, and spatial information, amino acid conservation, physicochemical variation, residue mobility, and thermodynamic stability) performed at Invitae indicates that this missense variant is expected to disrupt PCCA protein function. In summary, the available evidence is currently insufficient to determine the role of this variant in disease. Therefore, it has been classified as a Variant of Uncertain Significance.

Natera, Inc.
Classification: Uncertain significance for Propionic acidemia. Last evaluated: 2020-04-17. Review status: no assertion criteria provided. Collection method: clinical testing. Allele origin: germline. Not counted in ClinVar's aggregate classification.